The following is an entry in ClinVar:

NM_000038.6(APC):c.206_210del (p.Leu69fs)

Gene: APC (APC regulator of Wnt signaling pathway; plus strand). Cytogenetic location: 5q22.2.
Variant type: Deletion.
Coding change: c.206_210del on transcript NM_000038.6 (MANE Select); coding-DNA positions 206 to 210, 5 bases deleted (TAGAG; older notation c.206_210delTAGAG).
Protein change: p.Leu69fs; shifts the reading frame from leucine 69.
Molecular consequence: frameshift variant. On other transcripts: 5 prime UTR variant (4), non-coding transcript variant (2).
Genome position (GRCh38, 1-based): chr5:112,766,396-112,766,400, TAGAG deleted. VCF-style (leftmost placement, unchanged base first): chr5-112766395-TTAGAG-T. GRCh37 (hg19) VCF-style: chr5-112102092-TTAGAG-T.
Other names: c.206_210del, p.Leu69fs (NM_001127510.3, NM_001354895.2, NM_001354896.2 and 16 more transcripts); c.236_240del, p.Leu79fs (NM_001127511.3, NM_001354897.2, NM_001354902.2 and 1 more transcripts); c.131_135del, p.Leu44fs (NM_001354898.2, NM_001354904.2, NM_001407451.1); c.29_33del, p.Leu10fs (NM_001354900.2, NM_001354901.2, NM_001354905.2 and 1 more transcripts); c.-830_-826del (NM_001354906.2, NM_001407470.1, NM_001407471.1 and 1 more transcripts); short protein forms L69fs, L10fs, L44fs, L79fs.
Identifiers: ClinVar variation 3881112 (VCV003881112.2).

ClinVar aggregate classification (germline): Pathogenic. Review status: criteria provided, multiple submitters, no conflicts (2 of 4 stars). 2 submissions from 2 submitters: Pathogenic (2). Last evaluated 2025-03-05.

Conditions:
Hereditary cancer-predisposing syndrome. Also called: Tumor predisposition; Neoplastic Syndromes, Hereditary; Hereditary Cancer Syndrome; Hereditary neoplastic syndrome. Identifiers: Orphanet 140162, MedGen C0027672, MeSH D009386, MONDO:0015356.
Familial adenomatous polyposis 1 (FAP1). Also called: POLYPOSIS, ADENOMATOUS INTESTINAL; FAMILIAL ADENOMATOUS POLYPOSIS 1, ATTENUATED. Identifiers: MedGen C2713442, MONDO:0021056, OMIM 175100. Disease mechanism: loss of function.

Submissions (2):

Labcorp Genetics (formerly Invitae), Labcorp
Classification: Pathogenic for Familial adenomatous polyposis 1. Last evaluated: 2025-03-05. Review status: criteria provided, single submitter. Criteria: Invitae Variant Classification Sherloc (09022015). Collection method: clinical testing. Allele origin: germline.
Comment: This sequence change creates a premature translational stop signal (p.Leu69Serfs*3) in the APC gene. It is expected to result in an absent or disrupted protein product. Loss-of-function variants in APC are known to be pathogenic (PMID: 17963004, 20685668). This variant is not present in population databases (gnomAD no frequency). This variant has not been reported in the literature in individuals affected with APC-related conditions. For these reasons, this variant has been classified as Pathogenic.

Ambry Genetics
Classification: Pathogenic for Hereditary cancer-predisposing syndrome. Last evaluated: 2024-12-24. Review status: criteria provided, single submitter. Criteria: Ambry Variant Classification Scheme 2023. Collection method: clinical testing. Allele origin: germline.
Comment: The c.206_210delTAGAG pathogenic mutation, located in coding exon 2 of the APC gene, results from a deletion of 5 nucleotides at nucleotide positions 206 to 210, causing a translational frameshift with a predicted alternate stop codon (p.L69Sfs*3). Premature termination codons are typically deleterious in nature. This variant was reported in individual(s) with features consistent with APC-related familial adenomatous polyposis (Ambry internal data). This variant is considered to be rare based on population cohorts in the Genome Aggregation Database (gnomAD). As such, this alteration is classified as a disease-causing mutation. However, alterations that result in premature termination in coding exon 2 are associated with an attenuated phenotype and may have reduced penetrance compared to classic familial adenomatous polyposis syndrome. Clinical correlation is advised.

Literature cited by the submitters: PubMed 17963004 (cited by Labcorp Genetics (formerly Invitae), Labcorp); PubMed 20685668 (cited by Labcorp Genetics (formerly Invitae), Labcorp).